The following is an entry in ClinVar:

NM_001165963.4(SCN1A):c.3973A>T (p.Arg1325Ter)

Genes: SCN1A (sodium voltage-gated channel alpha subunit 1; minus strand), LOC102724058 (uncharacterized LOC102724058; plus strand). Cytogenetic location: 2q24.3.
Variant type: single nucleotide variant.
Coding change: c.3973A>T on transcript NM_001165963.4 (MANE Select); coding-DNA position 3973, A replaced by T.
Protein change: p.Arg1325Ter; replaces arginine 1325 with a stop codon.
Molecular consequence: nonsense. On other transcripts: non-coding transcript variant (1).
Genome position (GRCh38, 1-based): chr2:166,009,748, T>A on the plus strand (A>T on the coding strand, the complement: SCN1A is on the minus strand). VCF-style: chr2-166009748-T-A. GRCh37 (hg19) VCF-style: chr2-166866258-T-A.
Other names: c.3937A>T, p.Arg1313Ter (NM_001353955.2, NM_001353954.2); c.3889A>T, p.Arg1297Ter (NM_001353957.2, NM_001353958.2, NM_001165964.3); c.3886A>T, p.Arg1296Ter (NM_001353960.2); c.1531A>T, p.Arg511Ter (NM_001353961.2); c.3940A>T, p.Arg1314Ter (NM_006920.6, NM_001353949.2, NM_001353950.2 and 2 more transcripts); c.3973A>T, p.Arg1325Ter (NM_001202435.3, NM_001353948.2); short protein forms R1297*, R1313*, R1325*, R1296*, R1314*, R511*.
Identifiers: ClinVar variation 2036902 (VCV002036902.4), dbSNP rs2468493255, ClinGen allele CA349052993.

ClinVar aggregate classification (germline): Pathogenic (1 of 4 stars; one submission).

Conditions:
Early-infantile DEE. Also called: Ohtahara syndrome; Early infantile epileptic encephalopathy with suppression bursts; Early infantile epileptic encephalopathy. Identifiers: Orphanet 1934, MedGen C0393706, MONDO:0800491.

Submission:

Labcorp Genetics (formerly Invitae), Labcorp
Classification: Pathogenic for Early-infantile DEE. Last evaluated: 2022-11-18. Review status: criteria provided, single submitter. Criteria: Invitae Variant Classification Sherloc (09022015). Collection method: clinical testing. Allele origin: germline.
Comment: This sequence change creates a premature translational stop signal (p.Arg1325*) in the SCN1A gene. It is expected to result in an absent or disrupted protein product. Loss-of-function variants in SCN1A are known to be pathogenic (PMID: 17347258, 18930999). This variant is not present in population databases (gnomAD no frequency). This premature translational stop signal has been observed in individual(s) with Dravet syndrome (PMID: 32090326). For these reasons, this variant has been classified as Pathogenic.

Literature cited by the submitters: PubMed 17347258; PubMed 18930999; PubMed 32090326.